The following is an entry in ClinVar:

ClinVar aggregate classification (germline): Uncertain significance (1 of 4 stars; one submission).

Allele frequency attached by ClinVar (database versions not stated): gnomAD exomes below 0.00001.
gnomAD v4.1: 1 of 1,614,104 alleles (0.000062%); highest among the groups gnomAD compares: Admixed American, 0.0017%; no homozygotes.

Submission:

Labcorp Genetics (formerly Invitae), Labcorp
Classification: Uncertain significance. Last evaluated: 2022-12-03. Review status: criteria provided, single submitter. Criteria: Invitae Variant Classification Sherloc (09022015). Collection method: clinical testing. Allele origin: germline.
Comment: In summary, the available evidence is currently insufficient to determine the role of this variant in disease. Therefore, it has been classified as a Variant of Uncertain Significance. Algorithms developed to predict the effect of missense changes on protein structure and function (SIFT, PolyPhen-2, Align-GVGD) all suggest that this variant is likely to be disruptive. This variant has not been reported in the literature in individuals affected with RAI1-related conditions. This variant is not present in population databases (gnomAD no frequency). This sequence change replaces threonine, which is neutral and polar, with isoleucine, which is neutral and non-polar, at codon 1612 of the RAI1 protein (p.Thr1612Ile).

NM_030665.4(RAI1):c.4835C>T (p.Thr1612Ile)

Gene: RAI1 (retinoic acid induced 1; plus strand). Cytogenetic location: 17p11.2.
Variant type: single nucleotide variant.
Coding change: c.4835C>T on transcript NM_030665.4 (MANE Select); coding-DNA position 4835, C replaced by T.
Protein change: p.Thr1612Ile; replaces threonine 1612 with isoleucine.
Molecular consequence: missense variant.
Genome position (GRCh38, 1-based): chr17:17,797,783, C>T. VCF-style: chr17-17797783-C-T. GRCh37 (hg19) VCF-style: chr17-17701097-C-T.
Other names: short protein forms T1612I.
Identifiers: ClinVar variation 2865123 (VCV002865123.3), dbSNP rs2543622681, ClinGen allele CA398557676.